The following is an entry in ClinVar:

NM_020184.4(CNNM4):c.1856A>C (p.Lys619Thr)

Gene: CNNM4 (cyclin and CBS domain divalent metal cation transport mediator 4; plus strand). Cytogenetic location: 2q11.2.
Variant type: single nucleotide variant.
Coding change: c.1856A>C on transcript NM_020184.4 (MANE Select); coding-DNA position 1856, A replaced by C.
Protein change: p.Lys619Thr; replaces lysine 619 with threonine.
Molecular consequence: missense variant.
Genome position (GRCh38, 1-based): chr2:96,799,556, A>C. VCF-style: chr2-96799556-A-C. GRCh37 (hg19) VCF-style: chr2-97465293-A-C.
Other names: short protein forms K619T.
Identifiers: ClinVar variation 1019191 (VCV001019191.8), dbSNP rs554361973, ClinGen allele CA52453589.

ClinVar aggregate classification (germline): Uncertain significance (1 of 4 stars; one submission).

Allele frequency attached by ClinVar (database versions not stated): gnomAD 0.00001 and 0.00002; gnomAD exomes 0.00003 and 0.00007; TOPMed 0.00003.
gnomAD v4.1: 91 of 1,553,870 alleles (0.0059%); highest among the groups gnomAD compares: Non-Finnish European, 0.0079%; no homozygotes.

Submission:

Labcorp Genetics (formerly Invitae), Labcorp
Classification: Uncertain significance. Last evaluated: 2024-04-05. Review status: criteria provided, single submitter. Criteria: Invitae Variant Classification Sherloc (09022015). Collection method: clinical testing. Allele origin: germline.
Comment: This sequence change replaces lysine, which is basic and polar, with threonine, which is neutral and polar, at codon 619 of the CNNM4 protein (p.Lys619Thr). This variant is present in population databases (rs554361973, gnomAD 0.008%). This variant has not been reported in the literature in individuals affected with CNNM4-related conditions. ClinVar contains an entry for this variant (Variation ID: 1019191). Advanced modeling of protein sequence and biophysical properties (such as structural, functional, and spatial information, amino acid conservation, physicochemical variation, residue mobility, and thermodynamic stability) performed at Invitae indicates that this missense variant is not expected to disrupt CNNM4 protein function with a negative predictive value of 80%. In summary, the available evidence is currently insufficient to determine the role of this variant in disease. Therefore, it has been classified as a Variant of Uncertain Significance.